The following is an entry in ClinVar:

ClinVar aggregate classification (germline): Pathogenic (1 of 4 stars; one submission).

Conditions:
Niemann-Pick disease, type C1. Also called: NEUROVISCERAL STORAGE DISEASE WITH VERTICAL SUPRANUCLEAR OPHTHALMOPLEGIA; NIEMANN-PICK DISEASE WITH CHOLESTEROL ESTERIFICATION BLOCK; NIEMANN-PICK DISEASE WITHOUT SPHINGOMYELINASE DEFICIENCY; NIEMANN-PICK DISEASE, CHRONIC NEURONOPATHIC FORM; NIEMANN-PICK DISEASE, VARIANT TYPE C1. Identifiers: Orphanet 646, MedGen C3179455, MONDO:0009757, OMIM 257220.

Submission:

3billion
Classification: Pathogenic for Niemann-Pick disease, type C1. Last evaluated: 2025-04-25. Review status: criteria provided, single submitter. Criteria: ACMG Guidelines, 2015. Collection method: clinical testing. Allele origin: germline. Affected: yes.
Comment: The variant is observed at an extremely low frequency in the gnomAD v4.1.0 dataset (total allele frequency: <0.001%). Predicted Consequence/Location: Frameshift: predicted to result in a loss or disruption of normal protein function through nonsense-mediated decay (NMD) or protein truncation. Multiple pathogenic variants are reported downstream of the variant. in trans with the other variant(NM_000271.5:c.2974G>T). The variant has been reported to be associated with NPC1-related disorder (PMID: 16098014). Therefore, this variant is classified as Pathogenic according to the recommendation of ACMG/AMP guideline.

Literature cited by the submitters: PubMed 16098014.

NM_000271.5(NPC1):c.2978del (p.Gly993fs)

Gene: NPC1 (NPC intracellular cholesterol transporter 1; minus strand). Cytogenetic location: 18q11.2.
Variant type: Deletion.
Coding change: c.2978del on transcript NM_000271.5 (MANE Select); coding-DNA position 2978, one base deleted (G; older notation c.2978delG).
Protein change: p.Gly993fs; shifts the reading frame from glycine 993.
Molecular consequence: frameshift variant.
Genome position (GRCh38, 1-based): chr18:23,538,605, C deleted on the plus strand (G on the coding strand, the reverse complement: NPC1 is on the minus strand); the first of 6 consecutive C bases (chr18:23,538,605-23,538,610); deleting any one gives the same sequence. VCF-style (leftmost placement, unchanged base first): chr18-23538604-TC-T. GRCh37 (hg19) VCF-style: chr18-21118568-TC-T.
Other names: short protein forms G993fs.
Identifiers: ClinVar variation 4293737 (VCV004293737.1).